The following is an entry in ClinVar:

ClinVar aggregate classification (germline): Uncertain significance (1 of 4 stars; one submission).

Conditions:
Inborn genetic diseases. Identifiers: MedGen C0950123, MeSH D030342.

Submission:

Ambry Genetics
Classification: Uncertain significance for Inborn genetic diseases. Last evaluated: 2025-08-20. Review status: criteria provided, single submitter. Criteria: Ambry Variant Classification Scheme 2023. Collection method: clinical testing. Allele origin: germline.
Comment: The p.D193N variant (also known as c.577G>A), located in coding exon 4 of the MECOM gene, results from a G to A substitution at nucleotide position 577. The aspartic acid at codon 193 is replaced by asparagine, an amino acid with highly similar properties. This amino acid position is conserved. In addition, this alteration is predicted to be tolerated by in silico analysis. Based on the available evidence, the clinical significance of this variant remains unclear.

NM_004991.4(MECOM):c.577G>A (p.Asp193Asn)

Gene: MECOM (MDS1 and EVI1 complex locus; minus strand). Cytogenetic location: 3q26.2.
Variant type: single nucleotide variant.
Coding change: c.577G>A on transcript NM_004991.4 (MANE Select); coding-DNA position 577, G replaced by A.
Protein change: p.Asp193Asn; replaces aspartic acid 193 with asparagine.
Molecular consequence: missense variant.
Genome position (GRCh38, 1-based): chr3:169,131,465, C>T on the plus strand (G>A on the coding strand, the complement: MECOM is on the minus strand). VCF-style: chr3-169131465-C-T. GRCh37 (hg19) VCF-style: chr3-168849253-C-T.
Other names: c.205G>A, p.Asp69Asn (NM_001105077.4); c.13G>A, p.Asp5Asn (NM_001105078.4, NM_001163999.2, NM_001164000.2 and 9 more transcripts); c.577G>A, p.Asp193Asn (NM_001366466.2, NM_001366473.2); short protein forms D193N, D5N, D69N.
Identifiers: ClinVar variation 4105861 (VCV004105861.1).
Genomic context (GRCh38, chr3:169,131,465, plus strand): 5'-GAGGGTGGCGTGAGTGGTACTAACCGTGGATATCCGGCGCCATAGTTTCATGGGGATAGT[C>T]TTCGCTCTTCATGAACAGCAGAAGCTCCTCTCCCGGCGCAATGTCTGCAACTACTCTATA-3'
Protein context (NP_004982.2, residues 183-203): EELLLFMKSE[Asp193Asn]YPHETMAPDI